The following is an entry in ClinVar:

ClinVar aggregate classification (germline): Uncertain significance (1 of 4 stars; one submission).

Conditions:
Duchenne muscular dystrophy (DMD). Also called: MUSCULAR DYSTROPHY, PSEUDOHYPERTROPHIC PROGRESSIVE, DUCHENNE TYPE; Duchenne Muscular Dystrophy (DMD). Identifiers: Orphanet 98896, MedGen C0013264, MONDO:0010679, OMIM 310200.

Submission:

Labcorp Genetics (formerly Invitae), Labcorp
Classification: Uncertain significance for Duchenne muscular dystrophy. Last evaluated: 2023-11-17. Review status: criteria provided, single submitter. Criteria: Invitae Variant Classification Sherloc (09022015). Collection method: clinical testing. Allele origin: unknown.
Comment: This variant results in a copy number gain of the genomic region encompassing exon(s) 58-79 of the DMD gene. This region includes the termination codon of the gene. This copy number gain extends beyond the assayed region for this gene and therefore may encompass additional genes. As the precise location of this event is unknown, it may be in tandem or it may be located elsewhere in the genome. This variant has not been reported in the literature in individuals affected with DMD-related conditions. Experimental studies and prediction algorithms are not available or were not evaluated, and the functional significance of this variant is currently unknown. In summary, the available evidence is currently insufficient to determine the role of this variant in disease. Therefore, it has been classified as a Variant of Uncertain Significance.

NC_000023.10:g.(?_31140036)_(31497240_?)dup

Gene: DMD (dystrophin; minus strand). Cytogenetic location: Xp21.2.
Variant type: Duplication.
Identifiers: ClinVar variation 3243319 (VCV003243319.1).